The following is an entry in ClinVar:

NM_001134363.3(RBM20):c.2784G>A (p.Glu928=)

Gene: RBM20 (RNA binding motif protein 20; plus strand). Cytogenetic location: 10q25.2.
Variant type: single nucleotide variant.
Coding change: c.2784G>A on transcript NM_001134363.3 (MANE Select); coding-DNA position 2784, G replaced by A.
Protein change: p.Glu928=; no amino-acid change (glutamic acid 928 retained).
Molecular consequence: synonymous variant.
Genome position (GRCh38, 1-based): chr10:110,821,403, G>A. VCF-style: chr10-110821403-G-A. GRCh37 (hg19) VCF-style: chr10-112581161-G-A.
Identifiers: ClinVar variation 44000 (VCV000044000.5), dbSNP rs397516609, ClinGen allele CA133344.

ClinVar aggregate classification (germline): Likely benign (1 of 4 stars; one submission).

gnomAD v4.1: 1 of 1,551,780 alleles (0.000064%); no homozygotes.

Submission:

Laboratory for Molecular Medicine, Mass General Brigham Personalized Medicine
Classification: Likely benign. Last evaluated: 2013-01-30. Review status: criteria provided, single submitter. Criteria: LMM Criteria. Collection method: clinical testing. Allele origin: germline. Observed: 1 variant allele.
Comment: Glu928Glu in exon 11 of RBM20: This variant is not expected to have clinical sig nificance because it does not alter an amino acid residue and is not located wit hin the splice consensus sequence. Glu928Glu in exon 11 of RBM20 (allele frequ ency = n/a)